The following is an entry in ClinVar:

ClinVar aggregate classification (germline): Uncertain significance (1 of 4 stars; one submission).

gnomAD v4.1: 18 of 1,613,984 alleles (0.0011%); highest among the groups gnomAD compares: South Asian, 0.0022%; no homozygotes.

Submission:

CeGaT Center for Human Genetics Tuebingen
Classification: Uncertain significance. Last evaluated: 2025-01-01. Review status: criteria provided, single submitter. Criteria: CeGaT Center For Human Genetics Tuebingen Variant Classification Criteria Version 2. Collection method: clinical testing. Allele origin: germline. Affected: yes. Observed: 1 variant allele.
Comment: MYO15A: PM2:Supporting, PP3

NM_016239.4(MYO15A):c.9303G>A (p.Lys3101=)

Gene: MYO15A (myosin XVA; plus strand). Cytogenetic location: 17p11.2.
Variant type: single nucleotide variant.
Coding change: c.9303G>A on transcript NM_016239.4 (MANE Select); coding-DNA position 9303, G replaced by A.
Protein change: p.Lys3101=; no amino-acid change (lysine 3101 retained).
Molecular consequence: synonymous variant.
Genome position (GRCh38, 1-based): chr17:18,159,679, G>A. VCF-style: chr17-18159679-G-A. GRCh37 (hg19) VCF-style: chr17-18062993-G-A.
Identifiers: ClinVar variation 3771876 (VCV003771876.13).